The following is an entry in ClinVar:

ClinVar aggregate classification (germline): Uncertain significance. Review status: criteria provided, multiple submitters, no conflicts (2 of 4 stars). 2 submissions from 2 submitters: Uncertain significance (2). Last evaluated 2022-03-14.

Conditions:
Polycystic kidney disease 4 (PKD4). Also called: PKD3; POLYCYSTIC KIDNEY AND HEPATIC DISEASE 1; POLYCYSTIC KIDNEY DISEASE, INFANTILE, TYPE I; POLYCYSTIC KIDNEY DISEASE 4 WITH OR WITHOUT POLYCYSTIC LIVER DISEASE; Autosomal Recessive Polycystic Kidney Disease – PKHD1. Identifiers: MedGen C4540575, MONDO:0033004, OMIM 263200.
Autosomal recessive polycystic kidney disease (ARPKD). Also called: AR polycystic kidney disease. Identifiers: Orphanet 731, Orphanet 8378, MedGen C0085548, MeSH D017044, MONDO:0009889.

Allele frequency attached by ClinVar (database versions not stated): gnomAD 0.00001 and 0.00002; gnomAD exomes 0.00001 and 0.00003; ExAC 0.00003; 1000 Genomes Project 0.00020; 1000 Genomes Project 30x 0.00031.
gnomAD v4.1: 26 of 1,613,904 alleles (0.0016%); highest among the groups gnomAD compares: South Asian, 0.012%; no homozygotes.

Submissions (2):

Fulgent Genetics
Classification: Uncertain significance for Polycystic kidney disease 4. Last evaluated: 2022-03-14. Review status: criteria provided, single submitter. Criteria: ACMG Guidelines, 2015. Collection method: clinical testing. Allele origin: unknown.

Labcorp Genetics (formerly Invitae), Labcorp
Classification: Uncertain significance for Autosomal recessive polycystic kidney disease. Last evaluated: 2021-08-24. Review status: criteria provided, single submitter. Criteria: Invitae Variant Classification Sherloc (09022015). Collection method: clinical testing. Allele origin: germline.
Comment: This sequence change replaces threonine with methionine at codon 969 of the PKHD1 protein (p.Thr969Met). The threonine residue is moderately conserved and there is a moderate physicochemical difference between threonine and methionine. This variant is present in population databases (rs530600526, ExAC 0.02%). This variant has not been reported in the literature in individuals affected with PKHD1-related conditions. Algorithms developed to predict the effect of missense changes on protein structure and function output the following: SIFT: "Tolerated"; PolyPhen-2: "Benign"; Align-GVGD: "Class C0". The methionine amino acid residue is found in multiple mammalian species, which suggests that this missense change does not adversely affect protein function. In summary, the available evidence is currently insufficient to determine the role of this variant in disease. Therefore, it has been classified as a Variant of Uncertain Significance.

NM_138694.4(PKHD1):c.2906C>T (p.Thr969Met)

Gene: PKHD1 (PKHD1 ciliary IPT domain containing fibrocystin/polyductin; minus strand). Cytogenetic location: 6p12.2.
Variant type: single nucleotide variant.
Coding change: c.2906C>T on transcript NM_138694.4 (MANE Select); coding-DNA position 2906, C replaced by T.
Protein change: p.Thr969Met; replaces threonine 969 with methionine.
Molecular consequence: missense variant.
Genome position (GRCh38, 1-based): chr6:52,043,050, G>A on the plus strand (C>T on the coding strand, the complement: PKHD1 is on the minus strand). VCF-style: chr6-52043050-G-A. GRCh37 (hg19) VCF-style: chr6-51907848-G-A.
Other names: c.2906C>T, p.Thr969Met (NM_170724.3); short protein forms T969M.
Identifiers: ClinVar variation 1382044 (VCV001382044.6), dbSNP rs530600526, ClinGen allele CA3853079.